The following is an entry in ClinVar:

ClinVar aggregate classification (germline): Likely pathogenic. Review status: criteria provided, multiple submitters, no conflicts (2 of 4 stars). 2 submissions from 2 submitters: Likely pathogenic (2). Last evaluated 2023-10-13.

Conditions:
Retinitis pigmentosa 40 (RP40). Identifiers: Orphanet 791, MedGen C3151107, MONDO:0013429, OMIM 613801.

Submissions (2):

Center for Human Genetics and Genomic Medicine, Uniklinik Rwth Aachen
Classification: Likely pathogenic for Retinitis pigmentosa 40. Last evaluated: 2023-10-13. Review status: criteria provided, single submitter. Criteria: ACMG Guidelines, 2015. Collection method: clinical testing. Allele origin: biparental. Inheritance: Autosomal recessive inheritance. Affected: yes. Observed: 1 homozygote.
Comment: The variant is neither reported in the ClinVar database nor in the dbSNP database (dbSNP151). It has not been identified in the general population (gnomAD). In the literature, the variant has been reported in two patients of a family with PDE6B-associated retinitis pigmentosa. (PMID: 30998820) Bioinformatically, the variant is inconsistently classified as "probably disease-causing" (PolyPhen2, mutation Taster) or "benign" (SIFT). Based on the current state of knowledge, the variant is classified as "likely pathogenic" (ACMG criteria).

Clinical Genetics Service, Universitary Hospital 12 de Octubre
Classification: Likely pathogenic for Retinitis pigmentosa 40. Review status: criteria provided, single submitter. Criteria: ACMG Guidelines, 2015. Collection method: clinical testing. Allele origin: maternal. Affected: yes.

Literature cited by the submitters: PubMed 30998820 (cited by Center for Human Genetics and Genomic Medicine, Uniklinik Rwth Aachen).

NM_000283.4(PDE6B):c.293G>C (p.Arg98Pro)

Gene: PDE6B (phosphodiesterase 6B; plus strand). Cytogenetic location: 4p16.3.
Variant type: single nucleotide variant.
Coding change: c.293G>C on transcript NM_000283.4 (MANE Select); coding-DNA position 293, G replaced by C.
Protein change: p.Arg98Pro; replaces arginine 98 with proline.
Molecular consequence: missense variant.
Genome position (GRCh38, 1-based): chr4:625,919, G>C. VCF-style: chr4-625919-G-C. GRCh37 (hg19) VCF-style: chr4-619708-G-C.
Other names: c.293G>C, p.Arg98Pro (NM_001145291.2); c.293G>C (NM_000283.3); short protein forms R98P.
Identifiers: ClinVar variation 2628368 (VCV002628368.3), dbSNP rs776050413, ClinGen allele CA355906708.